The following is an entry in ClinVar:

ClinVar aggregate classification (germline): Pathogenic/Likely pathogenic. Review status: criteria provided, multiple submitters, no conflicts (2 of 4 stars). 2 submissions from 2 submitters: Pathogenic (1); Likely pathogenic (1). Last evaluated 2024-03-11.

Conditions:
Primary hyperoxaluria, type II (HP2). Also called: D-GLYCERATE DEHYDROGENASE DEFICIENCY; GLYCERIC ACIDURIA; GLYOXYLATE REDUCTASE/HYDROXYPYRUVATE REDUCTASE DEFICIENCY; OXALOSIS II; Primary hyperoxaluria type 2. Identifiers: Orphanet 416, Orphanet 93599, MedGen C0268165, MONDO:0009824, OMIM 260000. Disease mechanism: loss of function.

Submissions (2):

Baylor Genetics
Classification: Likely pathogenic for Primary hyperoxaluria, type II. Last evaluated: 2024-03-11. Review status: criteria provided, single submitter. Criteria: ACMG Guidelines, 2015. Collection method: clinical testing. Allele origin: unknown.

Labcorp Genetics (formerly Invitae), Labcorp
Classification: Pathogenic. Last evaluated: 2022-11-30. Review status: criteria provided, single submitter. Criteria: Invitae Variant Classification Sherloc (09022015). Collection method: clinical testing. Allele origin: germline.
Comment: For these reasons, this variant has been classified as Pathogenic. This variant has not been reported in the literature in individuals affected with GRHPR-related conditions. This variant is not present in population databases (gnomAD no frequency). This sequence change creates a premature translational stop signal (p.His87Thrfs*21) in the GRHPR gene. It is expected to result in an absent or disrupted protein product. Loss-of-function variants in GRHPR are known to be pathogenic (PMID: 25644115).

Literature cited by the submitters: PubMed 25644115 (cited by Labcorp Genetics (formerly Invitae), Labcorp).

NM_012203.2(GRHPR):c.259del (p.His87fs)

Gene: GRHPR (glyoxylate and hydroxypyruvate reductase; plus strand). Cytogenetic location: 9p13.2.
Variant type: Deletion.
Coding change: c.259del on transcript NM_012203.2 (MANE Select); coding-DNA position 259, one base deleted (C; older notation c.259delC).
Protein change: p.His87fs; shifts the reading frame from histidine 87.
Molecular consequence: frameshift variant.
Genome position (GRCh38, 1-based): chr9:37,425,966, C deleted; the last of 2 consecutive C bases (chr9:37,425,965-37,425,966); deleting either gives the same sequence. VCF-style (leftmost placement, unchanged base first): chr9-37425964-AC-A. GRCh37 (hg19) VCF-style: chr9-37425961-AC-A.
Other names: short protein forms H87fs.
Identifiers: ClinVar variation 2817688 (VCV002817688.4), dbSNP rs540425024, ClinGen allele CA192887816.